The following is an entry in ClinVar:

NM_001130009.3(GEN1):c.833G>A (p.Cys278Tyr)

Gene: GEN1 (GEN1 structure-specific endonuclease; plus strand). Cytogenetic location: 2p24.2.
Variant type: single nucleotide variant.
Coding change: c.833G>A on transcript NM_001130009.3 (MANE Select); coding-DNA position 833, G replaced by A.
Protein change: p.Cys278Tyr; replaces cysteine 278 with tyrosine.
Molecular consequence: missense variant.
Genome position (GRCh38, 1-based): chr2:17,772,664, G>A. VCF-style: chr2-17772664-G-A. GRCh37 (hg19) VCF-style: chr2-17953931-G-A.
Other names: c.833G>A, p.Cys278Tyr (NM_182625.5); short protein forms C278Y.
Identifiers: ClinVar variation 5022303 (VCV005022303.1).

ClinVar aggregate classification (germline): Uncertain significance (1 of 4 stars; one submission).

Submission:

Ambry Genetics
Classification: Uncertain significance. Last evaluated: 2026-07-19. Review status: criteria provided, single submitter. Criteria: Ambry Variant Classification Scheme 2023. Collection method: clinical testing. Allele origin: germline.
Comment: The p.C278Y variant (also known as c.833G>A), located in coding exon 7 of the GEN1 gene, results from a G to A substitution at nucleotide position 833. The cysteine at codon 278 is replaced by tyrosine, an amino acid with highly dissimilar properties. This amino acid position is conserved. In addition, this alteration is predicted to be deleterious by in silico analysis. Based on the available evidence, the clinical significance of this variant remains unclear.